The following is an entry in ClinVar:

ClinVar aggregate classification (germline): Conflicting classifications of pathogenicity. Review status: criteria provided, conflicting classifications (1 of 4 stars). 6 submissions from 6 submitters: Pathogenic (4); Likely pathogenic (1); Uncertain significance (1). Last evaluated 2026-08-06.

Conditions:
Congenital adrenal hyperplasia. Identifiers: Orphanet 418, MedGen C0001627, MONDO:0018479, HP:0008258.
Differences in sex development.
3 beta-Hydroxysteroid dehydrogenase deficiency. Also called: 3-BETA-HSD DEFICIENCY; ADRENAL HYPERPLASIA II; ADRENAL HYPERPLASIA, CONGENITAL, DUE TO 3-BETA-HYDROXYSTEROID DEHYDROGENASE 2 DEFICIENCY; 3b-hydroxysteroid dehydrogenase deficiency; Congenital adrenal hyperplasia due to 3-beta-hydroxysteroid dehydrogenase deficiency. Identifiers: Orphanet 90791, MedGen C0342471, MeSH C538236, MONDO:0008727, OMIM 201810. Disease mechanism: loss of function.

Allele frequency attached by ClinVar (database versions not stated): gnomAD exomes 0.00004 and 0.00001; 1000 Genomes Project 30x 0.00016; 1000 Genomes Project 0.00020; gnomAD 0.00001 and 0.00002; TOPMed 0.00001; ExAC 0.00003.

Submissions (6):

NHS Central & South Genomic Laboratory Hub
Classification: Likely pathogenic for Differences in sex development. Last evaluated: 2026-08-06. Review status: criteria provided, single submitter. Criteria: ACMG Guidelines, 2015. Collection method: clinical testing. Allele origin: germline. Affected: yes.

Labcorp Genetics (formerly Invitae), Labcorp
Classification: Pathogenic. Last evaluated: 2026-01-06. Review status: criteria provided, single submitter. Criteria: Invitae Variant Classification Sherloc (09022015). Collection method: clinical testing. Allele origin: germline.
Comment: This sequence change replaces glycine, which is neutral and non-polar, with arginine, which is basic and polar, at codon 129 of the HSD3B2 protein (p.Gly129Arg). This variant is present in population databases (rs587628683, gnomAD 0.009%). This missense change has been observed in individuals with congenital adrenal hyperplasia (PMID: 7962268, 10599696, 15585552). It has also been observed to segregate with disease in related individuals. This variant is also known as 6734G>A. ClinVar contains an entry for this variant (Variation ID: 971607). Invitae Evidence Modeling of protein sequence and biophysical properties (such as structural, functional, and spatial information, amino acid conservation, physicochemical variation, residue mobility, and thermodynamic stability) indicates that this missense variant is expected to disrupt HSD3B2 protein function with a positive predictive value of 80%. Experimental studies have shown that this missense change affects HSD3B2 function (PMID: 7962268, 10599696, 11196452). For these reasons, this variant has been classified as Pathogenic.

Natera, Inc.
Classification: Pathogenic for 3 beta hydroxysteroid dehydrogenase deficiency. Last evaluated: 2025-11-06. Review status: criteria provided, single submitter. Criteria: Natera Variant Classification Schema (03/2026). Collection method: clinical testing. Allele origin: germline.
Comment: The c.385G>A variant in HSD3B2 is a missense variant predicted to cause substitution of glycine to arginine at amino acid 129. This variant is rare in the general population with a frequency below the threshold expected for the associated phenotype(s). This variant has been observed in one or more individuals affected with the associated recessive disease, as either homozygous or compound heterozygous with a second variant (PMID: 15585552, 10599696). Additionally, this variant has been observed to segregate in affected family members (PMID: 15585552, 10599696). Functional studies show that this variant may disrupt protein function (PMID: 10599696). Computational prediction algorithms indicate this variant is likely to affect gene or protein function. Given the available evidence, this variant is classified as Pathogenic.

Fulgent Genetics
Classification: Pathogenic for 3 beta-Hydroxysteroid dehydrogenase deficiency. Last evaluated: 2024-05-29. Review status: criteria provided, single submitter. Criteria: ACMG Guidelines, 2015. Collection method: clinical testing. Allele origin: germline.

Clinical Biochemistry Laboratory, Health Services Laboratory
Classification: Uncertain significance for 3 beta-Hydroxysteroid dehydrogenase deficiency. Last evaluated: 2023-11-20. Review status: criteria provided, single submitter. Criteria: ACMG Guidelines, 2015. Collection method: clinical testing. Allele origin: germline. Affected: yes.
Comment: ACMG:PM1 PM2 PP3

Women's Health and Genetics/Laboratory Corporation of America, LabCorp
Classification: Pathogenic for Congenital adrenal hyperplasia. Last evaluated: 2023-07-26. Review status: criteria provided, single submitter. Criteria: LabCorp Variant Classification Summary - May 2015. Collection method: clinical testing. Allele origin: germline.
Comment: Variant summary: HSD3B2 c.385G>A (p.Gly129Arg) results in a non-conservative amino acid change located in the 3-beta hydroxysteroid dehydrogenase/isomerase domain (IPR002225) of the encoded protein sequence. Four of five in-silico tools predict a damaging effect of the variant on protein function. The variant allele was found at a frequency of 3.6e-05 in 250996 control chromosomes. c.385G>A has been reported in the literature in compound heterozygous individuals affected with Congenital Adrenal Hyperplasia (e.g. Rheaume_1994, Moisan_1999, Lutfallah_2002, Mermejo_2005). These data indicate that the variant is likely to be associated with disease. At least two publications report experimental evidence evaluating an impact on protein function (e.g. Rheaume_1994, Moisan_1999). The most pronounced variant effect results in <10% of normal enzymatic activity. The following publications have been ascertained in the context of this evaluation (PMID: 12050224, 15585552, 10599696, 7962268). One submitter has cited clinical-significance assessments for this variant to ClinVar after 2014 and has classified the variant as pathogenic. Based on the evidence outlined above, the variant was classified as pathogenic.

Literature cited by the submitters: PubMed 7962268 (cited by Labcorp Genetics (formerly Invitae), Labcorp and Women's Health and Genetics/Laboratory Corporation of America, LabCorp); PubMed 10599696 (cited by 3 submitters); PubMed 15585552 (cited by 3 submitters); PubMed 11196452 (cited by Labcorp Genetics (formerly Invitae), Labcorp); PubMed 12050224 (cited by Women's Health and Genetics/Laboratory Corporation of America, LabCorp).

NM_000198.4(HSD3B2):c.385G>A (p.Gly129Arg)

Gene: HSD3B2 (hydroxy-delta-5-steroid dehydrogenase, 3 beta- and steroid delta-isomerase 2; plus strand). Cytogenetic location: 1p12.
Variant type: single nucleotide variant.
Coding change: c.385G>A on transcript NM_000198.4 (MANE Select); coding-DNA position 385, G replaced by A.
Protein change: p.Gly129Arg; replaces glycine 129 with arginine.
Molecular consequence: missense variant.
Genome position (GRCh38, 1-based): chr1:119,421,886, G>A. VCF-style: chr1-119421886-G-A. GRCh37 (hg19) VCF-style: chr1-119964509-G-A.
Other names: c.385G>A, p.Gly129Arg (NM_001166120.2); c.385G>A (NM_001166120.1); short protein forms G129R.
Identifiers: ClinVar variation 971607 (VCV000971607.16), dbSNP rs587628683, ClinGen allele CA1035964.
Genomic context (GRCh38, chr1:119,421,886, plus strand): 5'-GAGGCCTGTGTCCAAGCCAGTGTGCCAGTCTTCATCTACACCAGTAGCATAGAGGTAGCC[G>A]GGCCCAACTCCTACAAGGAAATCATCCAGAACGGCCACGAAGAAGAGCCTCTGGAAAACA-3'
Protein context (NP_000189.1, residues 119-139): FIYTSSIEVA[Gly129Arg]PNSYKEIIQN